The following is an entry in ClinVar:

ClinVar aggregate classification (germline): Uncertain significance (1 of 4 stars; one submission).

Conditions:
NTRK2-related disorder. Also called: NTRK2-related condition.

Submission:

PreventionGenetics, part of Exact Sciences
Classification: Uncertain significance for NTRK2-related condition. Last evaluated: 2025-08-05. Review status: criteria provided, single submitter. Criteria: ACMG Guidelines, 2015. Collection method: clinical testing. Allele origin: germline.
Comment: The NTRK2 c.1301dupA variant is predicted to result in premature protein termination (p.Tyr434*). To our knowledge, this variant has not been reported in the literature or in a large population database (gnomAD), indicating this variant is rare. A recent study has suggested that truncating variants may lead to a milder disorder than variants that cause an upregulation of NTRK2 activity (Berger et al. 2024. PubMed ID: 39540377); however, conclusive evidence supporting loss of function as a mechanism of disease for NTRK2-related disorders is still provisional. Although we suspect that this variant may be pathogenic, at this time, the clinical significance of this variant is uncertain due to the absence of conclusive functional and genetic evidence.

NM_006180.6(NTRK2):c.1301dup (p.Tyr434Ter)

Gene: NTRK2 (neurotrophic receptor tyrosine kinase 2; plus strand). Cytogenetic location: 9q21.33.
Variant type: Duplication.
Coding change: c.1301dup on transcript NM_006180.6 (MANE Select); coding-DNA position 1301, one base duplicated (A; older notation c.1301dupA).
Protein change: p.Tyr434Ter; replaces tyrosine 434 with a stop codon.
Molecular consequence: nonsense.
Genome position (GRCh38, 1-based): chr9:84,751,990, A duplicated. VCF-style (leftmost placement, unchanged base first): chr9-84751989-T-TA. GRCh37 (hg19) VCF-style: chr9-87366904-T-TA.
Other names: c.1301dup, p.Tyr434Ter (NM_001007097.3, NM_001018064.3, NM_001018065.2 and 15 more transcripts); c.1262dup, p.Tyr421Ter (NM_001291937.2, NM_001369546.1); c.1265dup, p.Tyr422Ter (NM_001369534.1); c.833dup, p.Tyr278Ter (NM_001369535.1, NM_001369536.1, NM_001369550.1 and 2 more transcripts); short protein forms Y421*, Y422*, Y278*, Y434*.
Identifiers: ClinVar variation 5002502 (VCV005002502.1).